The following is an entry in ClinVar:

NM_003060.4(SLC22A5):c.344A>G (p.Asp115Gly)

Gene: SLC22A5 (solute carrier family 22 member 5; plus strand). Cytogenetic location: 5q31.1.
Variant type: single nucleotide variant.
Coding change: c.344A>G on transcript NM_003060.4 (MANE Select); coding-DNA position 344, A replaced by G.
Protein change: p.Asp115Gly; replaces aspartic acid 115 with glycine.
Molecular consequence: missense variant.
Genome position (GRCh38, 1-based): chr5:132,370,316, A>G. VCF-style: chr5-132370316-A-G. GRCh37 (hg19) VCF-style: chr5-131706008-A-G.
Other names: c.344A>G, p.Asp115Gly (NM_001308122.2).
Identifiers: ClinVar variation 25370 (VCV000025370.11), dbSNP rs386134192, ClinGen allele CA342629.

ClinVar aggregate classification (germline): Uncertain significance. Review status: criteria provided, multiple submitters, no conflicts (2 of 4 stars). 3 submissions from 3 submitters: Uncertain significance (2). 1 of the submissions does not count toward it. Last evaluated 2021-07-15.

Conditions:
Renal carnitine transport defect (CDSP). Also called: Systemic primary carnitine deficiency; Carnitine transporter deficiency; Primary carnitine deficiency; Carnitine Deficiency, Systemic; Systemic primary carnitine deficiency disease; CARNITINE DEFICIENCY, SYSTEMIC, DUE TO DEFECT IN RENAL REABSORPTION OF CARNITINE. Identifiers: Orphanet 158, MedGen C0342788, MONDO:0008919, OMIM 212140.

Submissions (3):

Genome-Nilou Lab
Classification: Uncertain significance for Renal carnitine transport defect. Last evaluated: 2021-07-15. Review status: criteria provided, single submitter. Criteria: ACMG Guidelines, 2015. Collection method: clinical testing. Allele origin: germline. Affected: no.

Labcorp Genetics (formerly Invitae), Labcorp
Classification: Uncertain significance for Renal carnitine transport defect. Last evaluated: 2019-10-14. Review status: criteria provided, single submitter. Criteria: Invitae Variant Classification Sherloc (09022015). Collection method: clinical testing. Allele origin: germline.
Comment: This sequence change replaces aspartic acid with glycine at codon 115 of the SLC22A5 protein (p.Asp115Gly). The aspartic acid residue is highly conserved and there is a moderate physicochemical difference between aspartic acid and glycine. This variant is not present in population databases (ExAC no frequency). This variant has been observed in the homozygous state in an individual affected with primary carnitine deficiency; however, this individual was also found to have a second homozygous variant in the SLC22A5 gene (PMID: 28841266). ClinVar contains an entry for this variant (Variation ID: 25370). This variant has been reported to affect SLC22A5 protein function (PMID: 28841266). In summary, the available evidence is currently insufficient to determine the role of this variant in disease. Therefore, it has been classified as a Variant of Uncertain Significance.

Counsyl
Classification: Uncertain significance for Renal carnitine transport defect. Last evaluated: 2017-05-15. Review status: no assertion criteria provided. Collection method: clinical testing. Allele origin: unknown. Not counted in ClinVar's aggregate classification.

Literature cited by the submitters: PubMed 28841266 (cited by Labcorp Genetics (formerly Invitae), Labcorp).